The following is an entry in ClinVar:

NM_054027.6(ANKH):c.*3706G>A

Genes: ANKH (ANKH inorganic pyrophosphate transport regulator; minus strand), OTULIN (OTU deubiquitinase with linear linkage specificity; plus strand). Cytogenetic location: 5p15.2.
Variant type: single nucleotide variant.
Coding change: c.*3706G>A on transcript NM_054027.6 (MANE Select); 3706 bases downstream of the stop codon, G replaced by A.
Molecular consequence: 3 prime UTR variant.
Genome position (GRCh38, 1-based): chr5:14,707,491, C>T on the plus strand (G>A on the coding strand, the complement: ANKH is on the minus strand). VCF-style: chr5-14707491-C-T. GRCh37 (hg19) VCF-style: chr5-14707600-C-T.
Identifiers: ClinVar variation 351428 (VCV000351428.6), dbSNP rs25992, ClinGen allele CA10620474.
Genomic context (GRCh38, chr5:14,707,491, plus strand): 5'-AGCTGTTAACATTTCACACTTCTTATTCTGAAAATATAAGTGAATAAATTTTGAGAGTTA[C>T]GATATGTAATGATTATTCCAACCAGGAGAGAGATCCAGAGGGCTGGGAGTGAGCACTCCT-3'

ClinVar aggregate classification (germline): Benign. Review status: criteria provided, multiple submitters, no conflicts (2 of 4 stars). 3 submissions from 2 submitters: Benign (3). Last evaluated 2018-01-12.

Conditions:
Craniometaphyseal dysplasia, autosomal dominant (CMDD). Identifiers: Orphanet 1522, MedGen C1852502, MONDO:0007397, OMIM 123000.
Chondrocalcinosis 2. Also called: CALCIUM GOUT; CALCIUM PYROPHOSPHATE ARTHROPATHY; Familial calcium pyrophosphate deposition. Identifiers: Orphanet 1416, MedGen C0856830, MONDO:0007319, OMIM 118600.

Allele frequency attached by ClinVar (database versions not stated): 1000 Genomes Project 0.92073; 1000 Genomes Project 30x 0.92224; gnomAD 0.94400 and 0.94776; TOPMed 0.94900; gnomAD exomes 1.00000.
gnomAD v4.1: 143,763 of 152,274 alleles (94%); highest among the groups gnomAD compares: African/African-American, 99%; 68,006 homozygotes.

Submissions (3):

Illumina Laboratory Services, Illumina
Classification: Benign for Craniometaphyseal dysplasia, autosomal dominant. Last evaluated: 2018-01-12. Review status: criteria provided, single submitter. Criteria: ICSL Variant Classification Criteria 13 December 2019. Collection method: clinical testing. Allele origin: germline.
Comment: This variant was observed in the ICSL laboratory as part of a predisposition screen in an ostensibly healthy population. It had not been previously curated by ICSL or reported in the Human Gene Mutation Database (HGMD: prior to June 1st, 2018), and was therefore a candidate for classification through an automated scoring system. Utilizing variant allele frequency, disease prevalence and penetrance estimates, and inheritance mode, an automated score was calculated to assess if this variant is too frequent to cause the disease. Based on the score and internal cut-off values, a variant classified as benign is not then subjected to further curation. The score for this variant resulted in a classification of benign for this disease.

Illumina Laboratory Services, Illumina
Classification: Benign for Chondrocalcinosis 2. Last evaluated: 2018-01-12. Review status: criteria provided, single submitter. Criteria: ICSL Variant Classification Criteria 13 December 2019. Collection method: clinical testing. Allele origin: germline.
Comment: the same text as in the submission from Illumina Laboratory Services, Illumina above.

Breakthrough Genomics
Classification: Benign. Review status: criteria provided, single submitter. Criteria: ACMG Guidelines, 2015. Collection method: not provided. Allele origin: germline. Inheritance: Autosomal dominant inheritance. Affected: yes.